The following is an entry in ClinVar:

NM_006206.6(PDGFRA):c.107A>T (p.Glu36Val)

Gene: PDGFRA (platelet derived growth factor receptor alpha; plus strand). Cytogenetic location: 4q12.
Variant type: single nucleotide variant.
Coding change: c.107A>T on transcript NM_006206.6 (MANE Select); coding-DNA position 107, A replaced by T.
Protein change: p.Glu36Val; replaces glutamic acid 36 with valine.
Molecular consequence: missense variant.
Genome position (GRCh38, 1-based): chr4:54,261,152, A>T. VCF-style: chr4-54261152-A-T. GRCh37 (hg19) VCF-style: chr4-55127319-A-T.
Other names: c.107A>T, p.Glu36Val (NM_001347827.2, NM_001347829.2); c.182A>T, p.Glu61Val (NM_001347828.2); c.146A>T, p.Glu49Val (NM_001347830.2); short protein forms E49V, E61V, E36V.
Identifiers: ClinVar variation 1785920 (VCV001785920.2), dbSNP rs2475421481, ClinGen allele CA356888260.

ClinVar aggregate classification (germline): Uncertain significance (1 of 4 stars; one submission).

Conditions:
Hereditary cancer-predisposing syndrome. Also called: Neoplastic Syndromes, Hereditary; Tumor predisposition; Hereditary Cancer Syndrome; Hereditary neoplastic syndrome. Identifiers: Orphanet 140162, MedGen C0027672, MeSH D009386, MONDO:0015356.

Submission:

Ambry Genetics
Classification: Uncertain significance for Hereditary cancer-predisposing syndrome. Last evaluated: 2022-02-07. Review status: criteria provided, single submitter. Criteria: Ambry Variant Classification Scheme 2023. Collection method: clinical testing. Allele origin: germline.
Comment: The p.E36V variant (also known as c.107A>T), located in coding exon 2 of the PDGFRA gene, results from an A to T substitution at nucleotide position 107. The glutamic acid at codon 36 is replaced by valine, an amino acid with dissimilar properties. This amino acid position is conserved. In addition, the in silico prediction for this alteration is inconclusive. Since supporting evidence is limited at this time, the clinical significance of this alteration remains unclear.